The following is an entry in ClinVar:

ClinVar aggregate classification (germline): Likely benign. Review status: criteria provided, multiple submitters, no conflicts (2 of 4 stars). 4 submissions from 4 submitters: Likely benign (4). Last evaluated 2025-03-26.

Conditions:
Peutz-Jeghers syndrome (PJS). Also called: POLYPOSIS, HAMARTOMATOUS INTESTINAL; POLYPS-AND-SPOTS SYNDROME; Peutz-Jeghers polyposis; Periorificial lentiginosis syndrome. Identifiers: Orphanet 2869, MedGen C0031269, MeSH D010580, MONDO:0008280, OMIM 175200.
Hereditary cancer-predisposing syndrome. Also called: Neoplastic Syndromes, Hereditary; Hereditary Cancer Syndrome; Tumor predisposition; Hereditary neoplastic syndrome. Identifiers: Orphanet 140162, MedGen C0027672, MeSH D009386, MONDO:0015356.

Allele frequency attached by ClinVar (database versions not stated): TOPMed below 0.00001.
gnomAD v4.1: 16 of 1,581,244 alleles (0.001%); highest among the groups gnomAD compares: Non-Finnish European, 0.0013%; no homozygotes.

Submissions (4):

Myriad Genetics, Inc.
Classification: Likely benign for Peutz-Jeghers syndrome. Last evaluated: 2025-03-26. Review status: criteria provided, single submitter. Criteria: Myriad Autosomal Dominant, Autosomal Recessive and X-Linked Classification Criteria (2023). Collection method: clinical testing. Allele origin: unknown.
Comment: This variant is considered likely benign. This variant is intronic and is not expected to impact mRNA splicing.

Labcorp Genetics (formerly Invitae), Labcorp
Classification: Likely benign for Peutz-Jeghers syndrome. Last evaluated: 2023-07-16. Review status: criteria provided, single submitter. Criteria: Invitae Variant Classification Sherloc (09022015). Collection method: clinical testing. Allele origin: germline.

Ambry Genetics
Classification: Likely benign for Hereditary cancer-predisposing syndrome. Last evaluated: 2022-05-23. Review status: criteria provided, single submitter. Criteria: Ambry Variant Classification Scheme 2023. Collection method: clinical testing. Allele origin: germline.

Genome-Nilou Lab
Classification: Likely benign for Peutz-Jeghers syndrome. Last evaluated: 2021-07-15. Review status: criteria provided, single submitter. Criteria: ACMG Guidelines, 2015. Collection method: clinical testing. Allele origin: germline. Affected: no.

NM_000455.5(STK11):c.598-4A>G

Gene: STK11 (serine/threonine kinase 11; plus strand). Cytogenetic location: 19p13.3.
Variant type: single nucleotide variant.
Coding change: c.598-4A>G on transcript NM_000455.5 (MANE Select); 4 bases into the intron before coding-DNA position 598, A replaced by G.
Molecular consequence: intron variant.
Genome position (GRCh38, 1-based): chr19:1,220,577, A>G. VCF-style: chr19-1220577-A-G. GRCh37 (hg19) VCF-style: chr19-1220576-A-G.
Identifiers: ClinVar variation 798505 (VCV000798505.18), dbSNP rs1599926747, ClinGen allele CA915951584.